The following is an entry in ClinVar:

NM_032043.3(BRIP1):c.1794+13T>G

Gene: BRIP1 (BRCA1 interacting DNA helicase 1; minus strand). Cytogenetic location: 17q23.2.
Variant type: single nucleotide variant.
Coding change: c.1794+13T>G on transcript NM_032043.3 (MANE Select); 13 bases into the intron after coding-DNA position 1794, T replaced by G.
Molecular consequence: intron variant.
Genome position (GRCh38, 1-based): chr17:61,780,827, A>C on the plus strand (T>G on the coding strand, the complement: BRIP1 is on the minus strand). VCF-style: chr17-61780827-A-C. GRCh37 (hg19) VCF-style: chr17-59858188-A-C.
Identifiers: ClinVar variation 1505024 (VCV001505024.9), dbSNP rs2145089397, ClinGen allele CA2573154331.

ClinVar aggregate classification (germline): Uncertain significance (1 of 4 stars; one submission).

Conditions:
Fanconi anemia complementation group J. Also called: BRIP1-Related Fanconi Anemia. Identifiers: Orphanet 84, MedGen C1836860, MONDO:0012187, OMIM 609054.
Familial cancer of breast. Also called: hereditary breast carcinoma; Hereditary breast cancer; BREAST CANCER, FAMILIAL. Identifiers: Orphanet 227535, MedGen C0346153, MONDO:0016419, OMIM 114480. Disease mechanism: loss of function.

Submission:

Labcorp Genetics (formerly Invitae), Labcorp
Classification: Uncertain significance for Familial cancer of breast; Fanconi anemia complementation group J. Last evaluated: 2022-11-13. Review status: criteria provided, single submitter. Criteria: Invitae Variant Classification Sherloc (09022015). Collection method: clinical testing. Allele origin: germline.
Comment: This sequence change falls in intron 12 of the BRIP1 gene. It does not directly change the encoded amino acid sequence of the BRIP1 protein. This variant is not present in population databases (gnomAD no frequency). This variant has not been reported in the literature in individuals affected with BRIP1-related conditions. ClinVar contains an entry for this variant (Variation ID: 1505024). Algorithms developed to predict the effect of sequence changes on RNA splicing suggest that this variant may disrupt the consensus splice site. In summary, the available evidence is currently insufficient to determine the role of this variant in disease. Therefore, it has been classified as a Variant of Uncertain Significance.